The following is an entry in ClinVar:

NM_024678.6(NARS2):c.121G>A (p.Gly41Arg)

Gene: NARS2 (asparaginyl-tRNA synthetase 2, mitochondrial; minus strand). Cytogenetic location: 11q14.1.
Variant type: single nucleotide variant.
Coding change: c.121G>A on transcript NM_024678.6 (MANE Select); coding-DNA position 121, G replaced by A.
Protein change: p.Gly41Arg; replaces glycine 41 with arginine.
Molecular consequence: missense variant. On other transcripts: intron variant (1).
Genome position (GRCh38, 1-based): chr11:78,574,368, C>T on the plus strand (G>A on the coding strand, the complement: NARS2 is on the minus strand). VCF-style: chr11-78574368-C-T. GRCh37 (hg19) VCF-style: chr11-78285413-C-T.
Other names: c.-541+461G>A (NM_001243251.2); short protein forms G41R.
Identifiers: ClinVar variation 2173984 (VCV002173984.1), dbSNP rs200882675, ClinGen allele CA6205971.

ClinVar aggregate classification (germline): Uncertain significance (1 of 4 stars; one submission).

Allele frequency attached by ClinVar (database versions not stated): gnomAD exomes 0.00001; ExAC 0.00002; TOPMed 0.00009; gnomAD 0.00011; 1000 Genomes Project 30x 0.00031; 1000 Genomes Project 0.00040.

Submission:

Labcorp Genetics (formerly Invitae), Labcorp
Classification: Uncertain significance. Last evaluated: 2022-03-23. Review status: criteria provided, single submitter. Criteria: Invitae Variant Classification Sherloc (09022015). Collection method: clinical testing. Allele origin: germline.
Comment: This sequence change replaces glycine, which is neutral and non-polar, with arginine, which is basic and polar, at codon 41 of the NARS2 protein (p.Gly41Arg). This variant is present in population databases (rs200882675, gnomAD 0.05%). This variant has not been reported in the literature in individuals affected with NARS2-related conditions. Algorithms developed to predict the effect of missense changes on protein structure and function (SIFT, PolyPhen-2, Align-GVGD) all suggest that this variant is likely to be tolerated. In summary, the available evidence is currently insufficient to determine the role of this variant in disease. Therefore, it has been classified as a Variant of Uncertain Significance.